The following is an entry in ClinVar:

ClinVar aggregate classification (germline): Uncertain significance. Review status: criteria provided, multiple submitters, no conflicts (2 of 4 stars). 2 submissions from 2 submitters: Uncertain significance (2). Last evaluated 2023-08-04.

Allele frequency attached by ClinVar (database versions not stated): ExAC 0.00001; gnomAD 0.00001; gnomAD exomes 0.00002; TOPMed 0.00002.
gnomAD v4.1: 5 of 1,614,032 alleles (0.00031%); highest among the groups gnomAD compares: Admixed American, 0.0083%; no homozygotes.

Submissions (2):

Labcorp Genetics (formerly Invitae), Labcorp
Classification: Uncertain significance. Last evaluated: 2023-08-04. Review status: criteria provided, single submitter. Criteria: Invitae Variant Classification Sherloc (09022015). Collection method: clinical testing. Allele origin: germline.
Comment: Algorithms developed to predict the effect of missense changes on protein structure and function output the following: SIFT: "Not Available"; PolyPhen-2: "Possibly Damaging"; Align-GVGD: "Not Available". The glutamine amino acid residue is found in multiple mammalian species, which suggests that this missense change does not adversely affect protein function. This sequence change replaces glutamic acid, which is acidic and polar, with glutamine, which is neutral and polar, at codon 181 of the RP1 protein (p.Glu181Gln). This variant is present in population databases (rs764465585, gnomAD 0.01%). This missense change has been observed in individual(s) with retinitis pigmentosa (Invitae). ClinVar contains an entry for this variant (Variation ID: 838011). In summary, the available evidence is currently insufficient to determine the role of this variant in disease. Therefore, it has been classified as a Variant of Uncertain Significance.

Blueprint Genetics
Classification: Uncertain significance. Last evaluated: 2022-09-28. Review status: criteria provided, single submitter. Criteria: ACMG Guidelines, 2015. Collection method: clinical testing. Allele origin: germline.

NM_006269.2(RP1):c.541G>C (p.Glu181Gln)

Gene: RP1 (RP1 axonemal microtubule associated; plus strand). Cytogenetic location: 8q12.1.
Variant type: single nucleotide variant.
Coding change: c.541G>C on transcript NM_006269.2 (MANE Select); coding-DNA position 541, G replaced by C.
Protein change: p.Glu181Gln; replaces glutamic acid 181 with glutamine.
Molecular consequence: missense variant.
Genome position (GRCh38, 1-based): chr8:54,621,507, G>C. VCF-style: chr8-54621507-G-C. GRCh37 (hg19) VCF-style: chr8-55534067-G-C.
Other names: c.541G>C, p.Glu181Gln (NM_001375654.1); short protein forms E181Q.
Identifiers: ClinVar variation 838011 (VCV000838011.10), dbSNP rs764465585, ClinGen allele CA4751196.